The following is an entry in ClinVar:

ClinVar aggregate classification (germline): Uncertain significance. Review status: criteria provided, multiple submitters, no conflicts (2 of 4 stars). 3 submissions from 3 submitters: Uncertain significance (3). Last evaluated 2025-09-08.

Conditions:
Renal cell carcinoma. Identifiers: Orphanet 217071, MedGen C0007134, MeSH D002292, MONDO:0005086, HP:0005584.
Hereditary cancer-predisposing syndrome. Also called: Hereditary neoplastic syndrome; Neoplastic Syndromes, Hereditary; Tumor predisposition; Hereditary Cancer Syndrome. Identifiers: Orphanet 140162, MedGen C0027672, MeSH D009386, MONDO:0015356.

Allele frequency attached by ClinVar (database versions not stated): gnomAD exomes below 0.00001; TOPMed below 0.00001.
gnomAD v4.1: 3 of 1,614,020 alleles (0.00019%); highest among the groups gnomAD compares: Non-Finnish European, 0.00025%; no homozygotes.

Submissions (3):

Labcorp Genetics (formerly Invitae), Labcorp
Classification: Uncertain significance for Renal cell carcinoma. Last evaluated: 2025-09-08. Review status: criteria provided, single submitter. Criteria: Invitae Variant Classification Sherloc (09022015). Collection method: clinical testing. Allele origin: germline.
Comment: This sequence change replaces isoleucine, which is neutral and non-polar, with leucine, which is neutral and non-polar, at codon 816 of the MET protein (p.Ile816Leu). This variant is not present in population databases (gnomAD no frequency). This variant has not been reported in the literature in individuals affected with MET-related conditions. ClinVar contains an entry for this variant (Variation ID: 1319489). Invitae Evidence Modeling of protein sequence and biophysical properties (such as structural, functional, and spatial information, amino acid conservation, physicochemical variation, residue mobility, and thermodynamic stability) indicates that this missense variant is not expected to disrupt MET protein function with a negative predictive value of 80%. In summary, the available evidence is currently insufficient to determine the role of this variant in disease. Therefore, it has been classified as a Variant of Uncertain Significance.

Ambry Genetics
Classification: Uncertain significance for Hereditary cancer-predisposing syndrome. Last evaluated: 2024-10-28. Review status: criteria provided, single submitter. Criteria: Ambry Variant Classification Scheme 2023. Collection method: clinical testing. Allele origin: germline.
Comment: The p.I816L variant (also known as c.2446A>T), located in coding exon 10 of the MET gene, results from an A to T substitution at nucleotide position 2446. The isoleucine at codon 816 is replaced by leucine, an amino acid with highly similar properties. This amino acid position is conserved. In addition, this alteration is predicted to be tolerated by in silico analysis. Based on the available evidence, the clinical significance of this variant remains unclear.

Institute for Clinical Genetics, University Hospital TU Dresden, University Hospital TU Dresden
Classification: Uncertain significance. Last evaluated: 2021-11-03. Review status: criteria provided, single submitter. Criteria: ACMG Guidelines, 2015. Collection method: clinical testing. Allele origin: germline.

NM_000245.4(MET):c.2392A>T (p.Ile798Leu)

Gene: MET (MET proto-oncogene, receptor tyrosine kinase; plus strand). Cytogenetic location: 7q31.2.
Variant type: single nucleotide variant.
Coding change: c.2392A>T on transcript NM_000245.4 (MANE Select); coding-DNA position 2392, A replaced by T.
Protein change: p.Ile798Leu; replaces isoleucine 798 with leucine.
Molecular consequence: missense variant.
Genome position (GRCh38, 1-based): chr7:116,763,077, A>T. VCF-style: chr7-116763077-A-T. GRCh37 (hg19) VCF-style: chr7-116403131-A-T.
Other names: c.2446A>T (NM_001127500.1); c.2446A>T, p.Ile816Leu (NM_001127500.3); c.2392A>T, p.Ile798Leu (NM_001324401.3); c.1102A>T, p.Ile368Leu (NM_001324402.2); short protein forms I368L, I798L, I816L.
Identifiers: ClinVar variation 1319489 (VCV001319489.6), dbSNP rs1794459560, ClinGen allele CA368982954.